The following is an entry in ClinVar:

NM_000418.4(IL4R):c.244G>A (p.Ala82Thr)

Gene: IL4R (interleukin 4 receptor; plus strand). Cytogenetic location: 16p12.1.
Variant type: single nucleotide variant.
Coding change: c.244G>A on transcript NM_000418.4 (MANE Select); coding-DNA position 244, G replaced by A.
Protein change: p.Ala82Thr; replaces alanine 82 with threonine.
Molecular consequence: missense variant. On other transcripts: 5 prime UTR variant (1).
Genome position (GRCh38, 1-based): chr16:27,344,903, G>A. VCF-style: chr16-27344903-G-A. GRCh37 (hg19) VCF-style: chr16-27356224-G-A.
Other names: c.244G>A, p.Ala82Thr (NM_001257406.2); c.199G>A, p.Ala67Thr (NM_001257407.2); c.-232G>A (NM_001257997.2); short protein forms A67T, A82T.
Identifiers: ClinVar variation 3043783 (VCV003043783.2), dbSNP rs144651842, ClinGen allele CA7974182.

ClinVar aggregate classification (germline): Benign (0 of 4 stars; one submission).

Conditions:
IL4R-related disorder. Also called: IL4R-related condition.

Allele frequency attached by ClinVar (database versions not stated): ESP Exome Variant Server 0.00054; TOPMed 0.00299; gnomAD 0.00917; 1000 Genomes Project 30x 0.00984; 1000 Genomes Project 0.01118.
gnomAD v4.1: 9,494 of 1,614,220 alleles (0.59%); highest among the groups gnomAD compares: East Asian, 5%; 321 homozygotes.

Submission:

PreventionGenetics, part of Exact Sciences
Classification: Benign for IL4R-related condition. Last evaluated: 2019-08-21. Review status: no assertion criteria provided. Collection method: clinical testing. Allele origin: germline.
Comment: This variant is classified as benign based on ACMG/AMP sequence variant interpretation guidelines (Richards et al. 2015 PMID: 25741868, with internal and published modifications).